The following is an entry in ClinVar:

NM_000350.3(ABCA4):c.5706del (p.Ser1903fs)

Gene: ABCA4 (ATP binding cassette subfamily A member 4; minus strand). Cytogenetic location: 1p22.1.
Variant type: Deletion.
Coding change: c.5706del on transcript NM_000350.3 (MANE Select); coding-DNA position 5706, one base deleted (C; older notation c.5706delC).
Protein change: p.Ser1903fs; shifts the reading frame from serine 1903.
Molecular consequence: frameshift variant.
Genome position (GRCh38, 1-based): chr1:94,010,808, G deleted on the plus strand (C on the coding strand, the reverse complement: ABCA4 is on the minus strand). VCF-style (leftmost placement, unchanged base first): chr1-94010807-AG-A. GRCh37 (hg19) VCF-style: chr1-94476363-AG-A.
Other names: c.5484delC, p.Ser1829Profs (NM_001425324.1); short protein forms S1903fs.
Identifiers: ClinVar variation 1383606 (VCV001383606.6), dbSNP rs2101007419, ClinGen allele CA2573132693.

ClinVar aggregate classification (germline): Pathogenic (1 of 4 stars; one submission).

Submission:

Labcorp Genetics (formerly Invitae), Labcorp
Classification: Pathogenic. Last evaluated: 2022-03-10. Review status: criteria provided, single submitter. Criteria: Invitae Variant Classification Sherloc (09022015). Collection method: clinical testing. Allele origin: germline.
Comment: This variant has not been reported in the literature in individuals affected with ABCA4-related conditions. For these reasons, this variant has been classified as Pathogenic. This variant is not present in population databases (gnomAD no frequency). This sequence change creates a premature translational stop signal (p.Ser1903Profs*36) in the ABCA4 gene. It is expected to result in an absent or disrupted protein product. Loss-of-function variants in ABCA4 are known to be pathogenic (PMID: 10958761, 24938718, 25312043, 26780318).

Literature cited by the submitters: PubMed 10958761; PubMed 24938718; PubMed 25312043; PubMed 26780318.